The following is an entry in ClinVar:

NM_002528.7(NTHL1):c.172G>T (p.Val58Leu)

Gene: NTHL1 (nth like DNA glycosylase 1; minus strand). Cytogenetic location: 16p13.3.
Variant type: single nucleotide variant.
Coding change: c.172G>T on transcript NM_002528.7 (MANE Select); coding-DNA position 172, G replaced by T.
Protein change: p.Val58Leu; replaces valine 58 with leucine.
Molecular consequence: missense variant. On other transcripts: 5 prime UTR variant (1).
Genome position (GRCh38, 1-based): chr16:2,046,310, C>A on the plus strand (G>T on the coding strand, the complement: NTHL1 is on the minus strand). VCF-style: chr16-2046310-C-A. GRCh37 (hg19) VCF-style: chr16-2096311-C-A.
Other names: c.172G>T, p.Val58Leu (LRG_1366t1, NM_001318193.2); c.-7G>T (NM_001318194.2); short protein forms V58L.
Identifiers: ClinVar variation 643832 (VCV000643832.16), dbSNP rs1177326558, ClinGen allele CA394297842.

ClinVar aggregate classification (germline): Conflicting classifications of pathogenicity. Review status: criteria provided, conflicting classifications (1 of 4 stars). 3 submissions from 3 submitters: Uncertain significance (2); Likely benign (1). Last evaluated 2025-12-30.

Conditions:
Familial adenomatous polyposis 3. Also called: NTHL1-Related Adenomatous Polyposis and Colorectal Cancer; NTHL1-associated polyposis; NTHL1-related attenuated familial adenomatous polyposis; NTHL1 Tumor Syndrome. Identifiers: Orphanet 220460, Orphanet 454840, MedGen C4225157, MONDO:0014630, OMIM 616415.
Hereditary cancer-predisposing syndrome. Also called: Neoplastic Syndromes, Hereditary; Tumor predisposition; Hereditary neoplastic syndrome; Hereditary Cancer Syndrome. Identifiers: Orphanet 140162, MedGen C0027672, MeSH D009386, MONDO:0015356.
NTHL1-deficiency tumor predisposition syndrome. Identifiers: MedGen CN315924, MONDO:0100502.

Allele frequency attached by ClinVar (database versions not stated): gnomAD exomes below 0.00001.
gnomAD v4.1: 13 of 1,612,636 alleles (0.00081%); highest among the groups gnomAD compares: Non-Finnish European, 0.001%; no homozygotes.

Submissions (3):

Labcorp Genetics (formerly Invitae), Labcorp
Classification: Uncertain significance. Last evaluated: 2025-12-30. Review status: criteria provided, single submitter. Criteria: Invitae Variant Classification Sherloc (09022015). Collection method: clinical testing. Allele origin: germline.
Comment: This sequence change replaces valine, which is neutral and non-polar, with leucine, which is neutral and non-polar, at codon 66 of the NTHL1 protein (p.Val66Leu). This variant is present in population databases (no rsID available, gnomAD 0.0009%). This variant has not been reported in the literature in individuals affected with NTHL1-related conditions. ClinVar contains an entry for this variant (Variation ID: 643832). An algorithm developed to predict the effect of missense changes on protein structure and function (PolyPhen-2) suggests that this variant is likely to be tolerated. In summary, the available evidence is currently insufficient to determine the role of this variant in disease. Therefore, it has been classified as a Variant of Uncertain Significance.

Ambry Genetics
Classification: Likely benign for Hereditary cancer-predisposing syndrome. Last evaluated: 2025-07-10. Review status: criteria provided, single submitter. Criteria: Ambry Variant Classification Scheme 2023. Collection method: clinical testing. Allele origin: germline.

Fulgent Genetics
Classification: Uncertain significance for Familial adenomatous polyposis 3. Last evaluated: 2024-02-09. Review status: criteria provided, single submitter. Criteria: ACMG Guidelines, 2015. Collection method: clinical testing. Allele origin: germline.